The following is an entry in ClinVar:

ClinVar aggregate classification (germline): Uncertain significance (1 of 4 stars; one submission).

Conditions:
Epilepsy, childhood absence, susceptibility to, 5. Identifiers: Orphanet 64280, MedGen C2677087, MONDO:0012843, OMIM 612269.
Epilepsy, childhood absence, susceptibility to, 1. Also called: Epilepsy, childhood absence 1. Identifiers: Orphanet 64280, MedGen C1838604, MONDO:0020759, OMIM 600131.

Submission:

Labcorp Genetics (formerly Invitae), Labcorp
Classification: Uncertain significance for Epilepsy, childhood absence, susceptibility to, 5; Epilepsy, childhood absence, susceptibility to, 1. Last evaluated: 2022-02-14. Review status: criteria provided, single submitter. Criteria: Invitae Variant Classification Sherloc (09022015). Collection method: clinical testing. Allele origin: germline.
Comment: In summary, the available evidence is currently insufficient to determine the role of this variant in disease. Therefore, it has been classified as a Variant of Uncertain Significance. Advanced modeling of protein sequence and biophysical properties (such as structural, functional, and spatial information, amino acid conservation, physicochemical variation, residue mobility, and thermodynamic stability) performed at Invitae indicates that this missense variant is expected to disrupt GABRB3 protein function. This variant has not been reported in the literature in individuals affected with GABRB3-related conditions. This variant is not present in population databases (gnomAD no frequency). This sequence change replaces isoleucine, which is neutral and non-polar, with threonine, which is neutral and polar, at codon 289 of the GABRB3 protein (p.Ile289Thr).

NM_000814.6(GABRB3):c.866T>C (p.Ile289Thr)

Gene: GABRB3 (gamma-aminobutyric acid type A receptor subunit beta3; minus strand). Cytogenetic location: 15q12.
Variant type: single nucleotide variant.
Coding change: c.866T>C on transcript NM_000814.6 (MANE Select); coding-DNA position 866, T replaced by C.
Protein change: p.Ile289Thr; replaces isoleucine 289 with threonine.
Molecular consequence: missense variant.
Genome position (GRCh38, 1-based): chr15:26,561,146, A>G on the plus strand (T>C on the coding strand, the complement: GABRB3 is on the minus strand). VCF-style: chr15-26561146-A-G. GRCh37 (hg19) VCF-style: chr15-26806293-A-G.
Other names: c.611T>C, p.Ile204Thr (NM_001191320.2, NM_001278631.2); c.653T>C, p.Ile218Thr (NM_001191321.3); c.866T>C, p.Ile289Thr (NM_021912.5); short protein forms I218T, I289T, I204T.
Identifiers: ClinVar variation 2081453 (VCV002081453.4), dbSNP rs2504153874, ClinGen allele CA391462317.